The following is an entry in ClinVar:

NM_000057.4(BLM):c.87A>G (p.Lys29=)

Gene: BLM (BLM RecQ like helicase; plus strand). Cytogenetic location: 15q26.1.
Variant type: single nucleotide variant.
Coding change: c.87A>G on transcript NM_000057.4 (MANE Select); coding-DNA position 87, A replaced by G.
Protein change: p.Lys29=; no amino-acid change (lysine 29 retained).
Molecular consequence: synonymous variant. On other transcripts: 5 prime UTR variant (1).
Genome position (GRCh38, 1-based): chr15:90,747,479, A>G. VCF-style: chr15-90747479-A-G. GRCh37 (hg19) VCF-style: chr15-91290709-A-G.
Other names: c.87A>G, p.Lys29= (NM_001287246.2, NM_001287247.2); c.-1205A>G (NM_001287248.2).
Identifiers: ClinVar variation 1136593 (VCV001136593.33), dbSNP rs1895535691, ClinGen allele CA492157518.
Genomic context (GRCh38, chr15:90,747,479, plus strand): 5'-ACAGGAGCAACTAGAACGTCACTCAGCCAGAACACTTAATAATAAATTAAGTCTTTCAAA[A>G]CCAAAATTTTCGTAAGTGTTTTGACTGGTTTGCTGTCACATAGGCACTAACTTACCACAT-3'
Protein context (NP_000048.1, residues 19-39): RTLNNKLSLS[Lys29=]PKFSGFTFKK

ClinVar aggregate classification (germline): Likely benign. Review status: criteria provided, multiple submitters, no conflicts (2 of 4 stars). 2 submissions from 2 submitters: Likely benign (2). Last evaluated 2025-01-16.

Conditions:
Bloom syndrome (BLM). Also called: Bloom-Torre-Machacek syndrome. Identifiers: Orphanet 125, MedGen C0005859, MONDO:0008876, OMIM 210900.

Allele frequency attached by ClinVar (database versions not stated): gnomAD 0.00001; TOPMed 0.00001.
gnomAD v4.1: 2 of 1,603,938 alleles (0.00012%); highest among the groups gnomAD compares: South Asian, 0.0011%; no homozygotes.

Submissions (2):

Labcorp Genetics (formerly Invitae), Labcorp
Classification: Likely benign for Bloom syndrome. Last evaluated: 2025-01-16. Review status: criteria provided, single submitter. Criteria: Invitae Variant Classification Sherloc (09022015). Collection method: clinical testing. Allele origin: germline.

CeGaT Center for Human Genetics Tuebingen
Classification: Likely benign. Last evaluated: 2023-08-01. Review status: criteria provided, single submitter. Criteria: CeGaT Center For Human Genetics Tuebingen Variant Classification Criteria Version 2. Collection method: clinical testing. Allele origin: germline. Affected: yes. Observed: 1 variant allele.
Comment: BLM: BP4, BP7